The following is an entry in ClinVar:

ClinVar aggregate classification (germline): Uncertain significance (1 of 4 stars; one submission).

Conditions:
Hypermethioninemia with deficiency of S-adenosylhomocysteine hydrolase. Identifiers: Orphanet 88618, MedGen C3151058, MONDO:0013404, OMIM 613752.

Submission:

Labcorp Genetics (formerly Invitae), Labcorp
Classification: Uncertain significance for Hypermethioninemia with deficiency of S-adenosylhomocysteine hydrolase. Last evaluated: 2022-06-14. Review status: criteria provided, single submitter. Criteria: Invitae Variant Classification Sherloc (09022015). Collection method: clinical testing. Allele origin: germline.
Comment: In summary, the available evidence is currently insufficient to determine the role of this variant in disease. Therefore, it has been classified as a Variant of Uncertain Significance. Algorithms developed to predict the effect of missense changes on protein structure and function are either unavailable or do not agree on the potential impact of this missense change (SIFT: "Not Available"; PolyPhen-2: "Possibly Damaging"; Align-GVGD: "Not Available"). This variant has not been reported in the literature in individuals affected with AHCY-related conditions. This variant is not present in population databases (gnomAD no frequency). This sequence change replaces glutamic acid, which is acidic and polar, with alanine, which is neutral and non-polar, at codon 258 of the AHCY protein (p.Glu258Ala).

NM_000687.4(AHCY):c.773A>C (p.Glu258Ala)

Gene: AHCY (adenosylhomocysteinase; minus strand). Cytogenetic location: 20q11.22.
Variant type: single nucleotide variant.
Coding change: c.773A>C on transcript NM_000687.4 (MANE Select); coding-DNA position 773, A replaced by C.
Protein change: p.Glu258Ala; replaces glutamic acid 258 with alanine.
Molecular consequence: missense variant.
Genome position (GRCh38, 1-based): chr20:34,290,632, T>G on the plus strand (A>C on the coding strand, the complement: AHCY is on the minus strand). VCF-style: chr20-34290632-T-G. GRCh37 (hg19) VCF-style: chr20-32878438-T-G.
Other names: c.689A>C, p.Glu230Ala (NM_001161766.2, NM_001322084.2, NM_001322085.2); c.779A>C, p.Glu260Ala (NM_001322086.2); c.773A>C, p.Glu258Ala (NM_001362750.2); short protein forms E258A, E260A, E230A.
Identifiers: ClinVar variation 2006714 (VCV002006714.4), dbSNP rs2515174260, ClinGen allele CA408657547.